The following is an entry in ClinVar:

ClinVar aggregate classification (germline): Conflicting classifications of pathogenicity. Review status: criteria provided, conflicting classifications (1 of 4 stars). 3 submissions from 3 submitters: Uncertain significance (1); Benign (1); Likely benign (1). Last evaluated 2026-03-01.

Allele frequency attached by ClinVar (database versions not stated): gnomAD exomes 0.00035 and 0.00086; ExAC 0.00106; ESP Exome Variant Server 0.00342; 1000 Genomes Project 30x 0.00344; gnomAD 0.00372 and 0.00396; 1000 Genomes Project 0.00379; TOPMed 0.00411.

Submissions (3):

CeGaT Center for Human Genetics Tuebingen
Classification: Likely benign. Last evaluated: 2026-03-01. Review status: criteria provided, single submitter. Criteria: CeGaT Center For Human Genetics Tuebingen Variant Classification Criteria Version 2. Collection method: clinical testing. Allele origin: germline. Affected: yes. Observed: 3 variant alleles.
Comment: GPAA1: BS1

Labcorp Genetics (formerly Invitae), Labcorp
Classification: Benign. Last evaluated: 2026-01-28. Review status: criteria provided, single submitter. Criteria: Invitae Variant Classification Sherloc (09022015). Collection method: clinical testing. Allele origin: germline.

Blueprint Genetics
Classification: Uncertain significance. Last evaluated: 2024-11-18. Review status: criteria provided, single submitter. Criteria: ACMG Guidelines, 2015. Collection method: clinical testing. Allele origin: germline.

NM_003801.4(GPAA1):c.371T>C (p.Val124Ala)

Gene: GPAA1 (glycosylphosphatidylinositol anchor attachment 1; plus strand). Cytogenetic location: 8q24.3.
Variant type: single nucleotide variant.
Coding change: c.371T>C on transcript NM_003801.4 (MANE Select); coding-DNA position 371, T replaced by C.
Protein change: p.Val124Ala; replaces valine 124 with alanine.
Molecular consequence: missense variant.
Genome position (GRCh38, 1-based): chr8:144,083,718, T>C. VCF-style: chr8-144083718-T-C. GRCh37 (hg19) VCF-style: chr8-145138621-T-C.
Other names: short protein forms V124A.
Identifiers: ClinVar variation 719975 (VCV000719975.32), dbSNP rs116699684, ClinGen allele CA4932804.
Genomic context (GRCh38, chr8:144,083,718, plus strand): 5'-TTCAGCCCCCTACCACAAAGTTACACTGAGGCTCCCCCCACCGATGCTGCATACAGATGG[T>C]GTCGGGCACCAACGTGTACGGCATCCTGCGGGCCCCGCGTGCTGCCAGCACCGAGTCGCT-3'
Protein context (NP_003792.1, residues 114-134): FPDETHERYM[Val124Ala]SGTNVYGILR